The following is an entry in ClinVar:

ClinVar aggregate classification (germline): Pathogenic (1 of 4 stars; one submission).

Conditions:
Mucolipidosis type IV (ML4). Also called: ML IV. Identifiers: Orphanet 578, MedGen C0238286, MONDO:0009653, OMIM 252650.

Submission:

Labcorp Genetics (formerly Invitae), Labcorp
Classification: Pathogenic for Mucolipidosis type IV. Last evaluated: 2021-09-19. Review status: criteria provided, single submitter. Criteria: Invitae Variant Classification Sherloc (09022015). Collection method: clinical testing. Allele origin: germline.
Comment: For these reasons, this variant has been classified as Pathogenic. This variant has not been reported in the literature in individuals affected with MCOLN1-related conditions. This variant is not present in population databases (ExAC no frequency). This sequence change creates a premature translational stop signal (p.Tyr218*) in the MCOLN1 gene. It is expected to result in an absent or disrupted protein product. Loss-of-function variants in MCOLN1 are known to be pathogenic (PMID: 11030752, 11317355).

Literature cited by the submitters: PubMed 11030752; PubMed 11317355.

NM_020533.3(MCOLN1):c.654C>A (p.Tyr218Ter)

Gene: MCOLN1 (mucolipin TRP cation channel 1; plus strand). Cytogenetic location: 19p13.2.
Variant type: single nucleotide variant.
Coding change: c.654C>A on transcript NM_020533.3 (MANE Select); coding-DNA position 654, C replaced by A.
Protein change: p.Tyr218Ter; replaces tyrosine 218 with a stop codon.
Molecular consequence: nonsense.
Genome position (GRCh38, 1-based): chr19:7,527,602, C>A. VCF-style: chr19-7527602-C-A. GRCh37 (hg19) VCF-style: chr19-7592488-C-A.
Other names: short protein forms Y218*.
Identifiers: ClinVar variation 1452538 (VCV001452538.6), dbSNP rs757685298, ClinGen allele CA403082365.